The following is an entry in ClinVar:

ClinVar aggregate classification (germline): Uncertain significance (1 of 4 stars; one submission).

Allele frequency attached by ClinVar (database versions not stated): gnomAD exomes below 0.00001 and 0.00001; TOPMed 0.00001.
gnomAD v4.1: 8 of 1,614,164 alleles (0.0005%); highest among the groups gnomAD compares: Admixed American, 0.0017%; no homozygotes.

Submission:

Labcorp Genetics (formerly Invitae), Labcorp
Classification: Uncertain significance. Last evaluated: 2022-10-28. Review status: criteria provided, single submitter. Criteria: Invitae Variant Classification Sherloc (09022015). Collection method: clinical testing. Allele origin: germline.
Comment: In summary, the available evidence is currently insufficient to determine the role of this variant in disease. Therefore, it has been classified as a Variant of Uncertain Significance. Algorithms developed to predict the effect of missense changes on protein structure and function are either unavailable or do not agree on the potential impact of this missense change (SIFT: "Deleterious"; PolyPhen-2: "Benign"; Align-GVGD: "Class C0"). ClinVar contains an entry for this variant (Variation ID: 1505128). This variant has not been reported in the literature in individuals affected with LRIT3-related conditions. This variant is present in population databases (no rsID available, gnomAD 0.0009%). This sequence change replaces arginine, which is basic and polar, with isoleucine, which is neutral and non-polar, at codon 450 of the LRIT3 protein (p.Arg450Ile).

NM_198506.5(LRIT3):c.1349G>T (p.Arg450Ile)

Gene: LRIT3 (leucine rich repeat, Ig-like and transmembrane domains 3; plus strand). Cytogenetic location: 4q25.
Variant type: single nucleotide variant.
Coding change: c.1349G>T on transcript NM_198506.5 (MANE Select); coding-DNA position 1349, G replaced by T.
Protein change: p.Arg450Ile; replaces arginine 450 with isoleucine.
Molecular consequence: missense variant.
Genome position (GRCh38, 1-based): chr4:109,870,098, G>T. VCF-style: chr4-109870098-G-T. GRCh37 (hg19) VCF-style: chr4-110791254-G-T.
Other names: short protein forms R450I.
Identifiers: ClinVar variation 1505128 (VCV001505128.8), dbSNP rs1157741703, ClinGen allele CA357870814.